The following is an entry in ClinVar:

ClinVar aggregate classification (germline): Uncertain significance. Review status: criteria provided, multiple submitters, no conflicts (2 of 4 stars). 2 submissions from 2 submitters: Uncertain significance (2). Last evaluated 2025-12-29.

Conditions:
Emery-Dreifuss muscular dystrophy 5, autosomal dominant (EDMD5). Also called: EMERY-DREIFUSS MUSCULAR DYSTROPHY 5. Identifiers: Orphanet 261, MedGen C2751805, MONDO:0013072, OMIM 612999.

Allele frequency attached by ClinVar (database versions not stated): gnomAD exomes below 0.00001; TOPMed 0.00002; gnomAD 0.00003.
gnomAD v4.1: 5 of 1,614,188 alleles (0.00031%); highest among the groups gnomAD compares: African/African-American, 0.0053%; no homozygotes.

Submissions (2):

Labcorp Genetics (formerly Invitae), Labcorp
Classification: Uncertain significance for Emery-Dreifuss muscular dystrophy 5, autosomal dominant. Last evaluated: 2025-12-29. Review status: criteria provided, single submitter. Criteria: Invitae Variant Classification Sherloc (09022015). Collection method: clinical testing. Allele origin: germline.
Comment: This sequence change replaces histidine, which is basic and polar, with tyrosine, which is neutral and polar, at codon 4456 of the SYNE2 protein (p.His4456Tyr). This variant is present in population databases (rs543715273, gnomAD 0.02%). This variant has not been reported in the literature in individuals affected with SYNE2-related conditions. ClinVar contains an entry for this variant (Variation ID: 2037848). An algorithm developed to predict the effect of missense changes on protein structure and function (PolyPhen-2) suggests that this variant is likely to be tolerated. In summary, the available evidence is currently insufficient to determine the role of this variant in disease. Therefore, it has been classified as a Variant of Uncertain Significance.

Ambry Genetics
Classification: Uncertain significance. Last evaluated: 2025-12-11. Review status: criteria provided, single submitter. Criteria: Ambry Variant Classification Scheme 2023. Collection method: clinical testing. Allele origin: germline.

NM_182914.3(SYNE2):c.13366C>T (p.His4456Tyr)

Gene: SYNE2 (spectrin repeat containing nuclear envelope protein 2; plus strand). Cytogenetic location: 14q23.2.
Variant type: single nucleotide variant.
Coding change: c.13366C>T on transcript NM_182914.3 (MANE Select); coding-DNA position 13366, C replaced by T.
Protein change: p.His4456Tyr; replaces histidine 4456 with tyrosine.
Molecular consequence: missense variant.
Genome position (GRCh38, 1-based): chr14:64,122,371, C>T. VCF-style: chr14-64122371-C-T. GRCh37 (hg19) VCF-style: chr14-64589089-C-T.
Other names: c.13366C>T (NM_182914.2); c.13366C>T, p.His4456Tyr (NM_015180.6); short protein forms H4456Y.
Identifiers: ClinVar variation 2037848 (VCV002037848.5), dbSNP rs543715273, ClinGen allele CA261845483.